The following is an entry in ClinVar:

ClinVar aggregate classification (germline): Conflicting classifications of pathogenicity. Review status: criteria provided, conflicting classifications (1 of 4 stars). 4 submissions from 4 submitters: Likely pathogenic (1); Uncertain significance (2). 1 of the submissions does not count toward it. Last evaluated 2026-03-13.

Conditions:
Biotinidase deficiency. Also called: BTD deficiency; Late-onset biotin-responsive multiple carboxylase deficiency; Biotin deficiency. Identifiers: Orphanet 79241, MedGen C0220754, MONDO:0009665, OMIM 253260.

Submissions (4):

Myriad Genetics, Inc.
Classification: Uncertain significance for Biotinidase deficiency. Last evaluated: 2026-03-13. Review status: criteria provided, single submitter. Criteria: Myriad Autosomal Dominant, Autosomal Recessive and X-Linked Classification Criteria (2023). Collection method: clinical testing. Allele origin: unknown.
Comment: NM_000060.2(BTD):c.299C>T(A100V) is a missense variant classified as a variant of uncertain significance in the context of biotinidase deficiency. A100V has been observed in a case with relevant disease (PMID: 26810761). Relevant functional assessments of this variant are not available in the literature. A100V has not been observed in referenced population frequency databases. In summary, there is insufficient evidence to classify NM_000060.2(BTD):c.299C>T(A100V) as pathogenic or benign. Please note: this variant was assessed in the context of healthy population screening.

Fulgent Genetics
Classification: Likely pathogenic for Biotinidase deficiency. Last evaluated: 2024-04-19. Review status: criteria provided, single submitter. Criteria: ACMG Guidelines, 2015. Collection method: clinical testing. Allele origin: germline.

Women's Health and Genetics/Laboratory Corporation of America, LabCorp
Classification: Uncertain significance. Last evaluated: 2024-04-12. Review status: criteria provided, single submitter. Criteria: LabCorp Variant Classification Summary - May 2015. Collection method: clinical testing. Allele origin: germline.
Comment: Variant summary: BTD c.239C>T (p.Ala80Val) results in a non-conservative amino acid change in the encoded protein sequence. Five of five in-silico tools predict a damaging effect of the variant on protein function. The variant was absent in 251238 control chromosomes. The available data on variant occurrences in the general population are insufficient to allow any conclusion about variant significance. c.239C>T has been reported in the literature in at-least one individual affected with Biotinidase Deficiency (example, Procter_2016). These data do not allow any conclusion about variant significance. To our knowledge, no experimental evidence demonstrating an impact on protein function has been reported. The following publications have been ascertained in the context of this evaluation (PMID: 36684547, 26810761). ClinVar contains an entry for this variant (Variation ID: 557611). Based on the evidence outlined above, the variant was classified as uncertain significance.

Counsyl
Classification: Uncertain significance for Biotinidase deficiency. Last evaluated: 2018-04-03. Review status: no assertion criteria provided. Collection method: clinical testing. Allele origin: unknown. Not counted in ClinVar's aggregate classification.

Literature cited by the submitters: PubMed 26810761 (cited by 3 submitters); PubMed 36684547 (cited by Women's Health and Genetics/Laboratory Corporation of America, LabCorp).

NM_001370658.1(BTD):c.239C>T (p.Ala80Val)

Gene: BTD (biotinidase; plus strand). Cytogenetic location: 3p25.1.
Variant type: single nucleotide variant.
Coding change: c.239C>T on transcript NM_001370658.1 (MANE Select); coding-DNA position 239, C replaced by T.
Protein change: p.Ala80Val; replaces alanine 80 with valine.
Molecular consequence: missense variant.
Genome position (GRCh38, 1-based): chr3:15,635,678, C>T. VCF-style: chr3-15635678-C-T. GRCh37 (hg19) VCF-style: chr3-15677185-C-T.
Other names: c.299C>T, p.Ala100Val (NM_000060.4); c.239C>T, p.Ala80Val (NM_001281723.4, NM_001281724.3, NM_001281725.3 and 37 more transcripts); short protein forms A80V.
Identifiers: ClinVar variation 557611 (VCV000557611.11), dbSNP rs1553652171, ClinGen allele CA351604172.